The following is an entry in ClinVar:

ClinVar aggregate classification (germline): Uncertain significance. Review status: criteria provided, multiple submitters, no conflicts (2 of 4 stars). 3 submissions from 3 submitters: Uncertain significance (3). Last evaluated 2024-11-24.

Conditions:
Hereditary cancer-predisposing syndrome. Also called: Tumor predisposition; Hereditary neoplastic syndrome; Neoplastic Syndromes, Hereditary; Hereditary Cancer Syndrome. Identifiers: Orphanet 140162, MedGen C0027672, MeSH D009386, MONDO:0015356.

Allele frequency attached by ClinVar (database versions not stated): gnomAD exomes below 0.00001.
gnomAD v4.1: 1 of 1,613,812 alleles (0.000062%); highest among the groups gnomAD compares: Non-Finnish European, 0.000085%; no homozygotes.

Submissions (3):

Labcorp Genetics (formerly Invitae), Labcorp
Classification: Uncertain significance. Last evaluated: 2024-11-24. Review status: criteria provided, single submitter. Criteria: Invitae Variant Classification Sherloc (09022015). Collection method: clinical testing. Allele origin: germline.
Comment: This sequence change replaces lysine, which is basic and polar, with arginine, which is basic and polar, at codon 126 of the SMARCB1 protein (p.Lys126Arg). This variant is not present in population databases (gnomAD no frequency). This variant has not been reported in the literature in individuals affected with SMARCB1-related conditions. ClinVar contains an entry for this variant (Variation ID: 2156962). Invitae Evidence Modeling of protein sequence and biophysical properties (such as structural, functional, and spatial information, amino acid conservation, physicochemical variation, residue mobility, and thermodynamic stability) indicates that this missense variant is not expected to disrupt SMARCB1 protein function with a negative predictive value of 80%. In summary, the available evidence is currently insufficient to determine the role of this variant in disease. Therefore, it has been classified as a Variant of Uncertain Significance.

Ambry Genetics
Classification: Uncertain significance for Hereditary cancer-predisposing syndrome. Last evaluated: 2024-04-26. Review status: criteria provided, single submitter. Criteria: Ambry Variant Classification Scheme 2023. Collection method: clinical testing. Allele origin: germline.
Comment: The p.K126R variant (also known as c.377A>G), located in coding exon 4 of the SMARCB1 gene, results from an A to G substitution at nucleotide position 377. The lysine at codon 126 is replaced by arginine, an amino acid with highly similar properties. This amino acid position is conserved. In addition, the in silico prediction for this alteration is inconclusive. Based on the available evidence, the clinical significance of this variant remains unclear.

GeneDx
Classification: Uncertain significance. Last evaluated: 2023-01-19. Review status: criteria provided, single submitter. Criteria: GeneDx Variant Classification Process June 2021. Collection method: clinical testing. Allele origin: germline. Affected: yes.
Comment: Not observed at significant frequency in large population cohorts (gnomAD); In silico analysis supports that this missense variant does not alter protein structure/function; Has not been previously published as pathogenic or benign to our knowledge

NM_003073.5(SMARCB1):c.377A>G (p.Lys126Arg)

Gene: SMARCB1 (SWI/SNF related BAF chromatin remodeling complex subunit B1; plus strand). Cytogenetic location: 22q11.23.
Variant type: single nucleotide variant.
Coding change: c.377A>G on transcript NM_003073.5 (MANE Select); coding-DNA position 377, A replaced by G.
Protein change: p.Lys126Arg; replaces lysine 126 with arginine.
Molecular consequence: missense variant.
Genome position (GRCh38, 1-based): chr22:23,800,958, A>G. VCF-style: chr22-23800958-A-G. GRCh37 (hg19) VCF-style: chr22-24143145-A-G.
Other names: c.350A>G, p.Lys117Arg (NM_001007468.3, NM_001317946.2); c.377A>G, p.Lys126Arg (NM_001362877.2); short protein forms K117R, K126R.
Identifiers: ClinVar variation 2156962 (VCV002156962.5), dbSNP rs2145978112, ClinGen allele CA410934317.